The following is an entry in ClinVar:

NM_004329.3(BMPR1A):c.571C>A (p.Arg191Ser)

Gene: BMPR1A (bone morphogenetic protein receptor type 1A; plus strand). Cytogenetic location: 10q23.2.
Variant type: single nucleotide variant.
Coding change: c.571C>A on transcript NM_004329.3 (MANE Select); coding-DNA position 571, C replaced by A.
Protein change: p.Arg191Ser; replaces arginine 191 with serine.
Molecular consequence: missense variant.
Genome position (GRCh38, 1-based): chr10:86,912,280, C>A. VCF-style: chr10-86912280-C-A. GRCh37 (hg19) VCF-style: chr10-88672037-C-A.
Other names: c.646C>A, p.Arg216Ser (NM_001406559.1); c.619C>A, p.Arg207Ser (NM_001406560.1); c.571C>A, p.Arg191Ser (NM_001406561.1, NM_001406562.1, NM_001406563.1 and 20 more transcripts); c.487C>A, p.Arg163Ser (NM_001406584.1, NM_001406585.1, NM_001406586.1 and 2 more transcripts); short protein forms R207S, R216S, R163S, R191S.
Identifiers: ClinVar variation 2099702 (VCV002099702.4), dbSNP rs1053423400, ClinGen allele CA377454434.
Genomic context (GRCh38, chr10:86,912,280, plus strand): 5'-GTTTTCTGCTTTTTTAAAAGACATTATTGCAAGAGCATCTCAAGCAGACGTCGTTACAAT[C>A]GTGATTTGGAACAGGATGAAGCATTTATTCCAGTTGGAGAATCACTAAAAGACCTTATTG-3'
Protein context (NP_004320.2, residues 181-201): KSISSRRRYN[Arg191Ser]DLEQDEAFIP

ClinVar aggregate classification (germline): Uncertain significance (1 of 4 stars; one submission).

Conditions:
Juvenile polyposis syndrome (JPS). Identifiers: Orphanet 2929, MedGen C0345893, MONDO:0017380, OMIM 174900.

Submission:

Labcorp Genetics (formerly Invitae), Labcorp
Classification: Uncertain significance for Juvenile polyposis syndrome. Last evaluated: 2022-02-19. Review status: criteria provided, single submitter. Criteria: Invitae Variant Classification Sherloc (09022015). Collection method: clinical testing. Allele origin: germline.
Comment: This sequence change replaces arginine, which is basic and polar, with serine, which is neutral and polar, at codon 191 of the BMPR1A protein (p.Arg191Ser). This variant is not present in population databases (gnomAD no frequency). This variant has not been reported in the literature in individuals affected with BMPR1A-related conditions. Advanced modeling of protein sequence and biophysical properties (such as structural, functional, and spatial information, amino acid conservation, physicochemical variation, residue mobility, and thermodynamic stability) performed at Invitae indicates that this missense variant is not expected to disrupt BMPR1A protein function. In summary, the available evidence is currently insufficient to determine the role of this variant in disease. Therefore, it has been classified as a Variant of Uncertain Significance.